The following is an entry in ClinVar:

ClinVar aggregate classification (germline): Uncertain significance. Review status: criteria provided, multiple submitters, no conflicts (2 of 4 stars). 2 submissions from 2 submitters: Uncertain significance (2). Last evaluated 2026-02-18.

Submissions (2):

Women's Health and Genetics/Laboratory Corporation of America, LabCorp
Classification: Uncertain significance. Last evaluated: 2026-02-18. Review status: criteria provided, single submitter. Criteria: LabCorp Variant Classification Summary - May 2015. Collection method: clinical testing. Allele origin: germline.
Comment: Variant summary: KIDINS220 c.4698C>G (p.Phe1566Leu) results in a non-conservative amino acid change in the encoded protein sequence. Algorithms developed to predict the effect of missense changes on protein structure and function are either unavailable or do not agree on the potential impact of this missense change. The variant allele was found at a frequency of 4e-06 in 249580 control chromosomes. The available data on variant occurrences in the general population are insufficient to allow any conclusion about variant significance. To our knowledge, no occurrence of c.4698C>G in individuals affected with KIDINS220-related conditions and no experimental evidence demonstrating its impact on protein function have been reported. ClinVar contains an entry for this variant (Variation ID: 3624117). Based on the evidence outlined above, the variant was classified as uncertain significance.

Labcorp Genetics (formerly Invitae), Labcorp
Classification: Uncertain significance. Last evaluated: 2025-09-24. Review status: criteria provided, single submitter. Criteria: Invitae Variant Classification Sherloc (09022015). Collection method: clinical testing. Allele origin: germline.
Comment: This sequence change replaces phenylalanine, which is neutral and non-polar, with leucine, which is neutral and non-polar, at codon 1566 of the KIDINS220 protein (p.Phe1566Leu). This variant is present in population databases (rs556837190, gnomAD 0.007%). This variant has not been reported in the literature in individuals affected with KIDINS220-related conditions. ClinVar contains an entry for this variant (Variation ID: 3624117). An algorithm developed to predict the effect of missense changes on protein structure and function outputs the following: PolyPhen-2: "Benign". The leucine amino acid residue is found in multiple mammalian species, which suggests that this missense change does not adversely affect protein function. In summary, the available evidence is currently insufficient to determine the role of this variant in disease. Therefore, it has been classified as a Variant of Uncertain Significance.

NM_020738.4(KIDINS220):c.4698C>G (p.Phe1566Leu)

Gene: KIDINS220 (kinase D interacting substrate 220; minus strand). Cytogenetic location: 2p25.1.
Variant type: single nucleotide variant.
Coding change: c.4698C>G on transcript NM_020738.4 (MANE Select); coding-DNA position 4698, C replaced by G.
Protein change: p.Phe1566Leu; replaces phenylalanine 1566 with leucine.
Molecular consequence: missense variant. On other transcripts: intron variant (6).
Genome position (GRCh38, 1-based): chr2:8,731,338, G>C on the plus strand (C>G on the coding strand, the complement: KIDINS220 is on the minus strand). VCF-style: chr2-8731338-G-C. GRCh37 (hg19) VCF-style: chr2-8871468-G-C.
Other names: c.4701C>G, p.Phe1567Leu (NM_001348729.2); c.4644C>G, p.Phe1548Leu (NM_001348731.2); c.4641C>G, p.Phe1547Leu (NM_001348732.2); c.4530C>G, p.Phe1510Leu (NM_001348734.2); c.4527C>G, p.Phe1509Leu (NM_001348735.2); c.4401C>G, p.Phe1467Leu (NM_001348736.2); c.3882+2106C>G (NM_001348741.2, NM_001348742.2, NM_001348743.2); c.3996+2106C>G (NM_001348738.2); and 1 more; short protein forms F1467L, F1509L, F1510L, F1547L, F1548L, F1566L, F1567L.
Identifiers: ClinVar variation 3624117 (VCV003624117.3).